The following is an entry in ClinVar:

ClinVar aggregate classification (germline): Uncertain significance. Review status: criteria provided, multiple submitters, no conflicts (2 of 4 stars). 2 submissions from 2 submitters: Uncertain significance (2). Last evaluated 2024-01-23.

Allele frequency attached by ClinVar (database versions not stated): gnomAD exomes 0.00001; ExAC 0.00002; gnomAD 0.00002; TOPMed 0.00003.
gnomAD v4.1: 19 of 1,594,332 alleles (0.0012%); highest among the groups gnomAD compares: East Asian, 0.031%; no homozygotes.

Submissions (2):

Ambry Genetics
Classification: Uncertain significance. Last evaluated: 2024-01-23. Review status: criteria provided, single submitter. Criteria: Ambry Variant Classification Scheme 2023. Collection method: clinical testing. Allele origin: germline.

GeneDx
Classification: Uncertain significance. Last evaluated: 2023-06-29. Review status: criteria provided, single submitter. Criteria: GeneDx Variant Classification Process June 2021. Collection method: clinical testing. Allele origin: germline. Affected: yes.
Comment: In silico analysis supports that this missense variant has a deleterious effect on protein structure/function; Has not been previously published as pathogenic or benign to our knowledge

NM_020117.11(LARS1):c.2747A>G (p.Tyr916Cys)

Gene: LARS1 (leucyl-tRNA synthetase 1; minus strand). Cytogenetic location: 5q32.
Variant type: single nucleotide variant.
Coding change: c.2747A>G on transcript NM_020117.11 (MANE Select); coding-DNA position 2747, A replaced by G.
Protein change: p.Tyr916Cys; replaces tyrosine 916 with cysteine.
Molecular consequence: missense variant.
Genome position (GRCh38, 1-based): chr5:146,129,000, T>C on the plus strand (A>G on the coding strand, the complement: LARS1 is on the minus strand). VCF-style: chr5-146129000-T-C. GRCh37 (hg19) VCF-style: chr5-145508563-T-C.
Other names: c.2609A>G, p.Tyr870Cys (NM_001317964.2); c.2585A>G, p.Tyr862Cys (NM_001317965.2); c.2666A>G, p.Tyr889Cys (NM_016460.4); short protein forms Y889C, Y862C, Y916C, Y870C.
Identifiers: ClinVar variation 3117897 (VCV003117897.2), dbSNP rs781688282, ClinGen allele CA3489249.
Genomic context (GRCh38, chr5:146,129,000, plus strand): 5'-GGAATAATCCTTTAAAAAAAAAAACAAAAAAACTTTACCTTCCCTTTAGCTGGCATCATA[T>C]AGTTCTTGAGTCGTAGTCTAAGGTCATGTGTTACTTCCATAAGATACTGTGAGGAGTGTA-3'
Protein context (NP_064502.9, residues 906-926): THDLRLRLKN[Tyr916Cys]MMPAKGKKTD